The following is an entry in ClinVar:

ClinVar aggregate classification (germline): Pathogenic/Likely pathogenic. Review status: criteria provided, multiple submitters, no conflicts (2 of 4 stars). 3 submissions from 3 submitters: Pathogenic (1); Likely pathogenic (2). Last evaluated 2025-10-23.

Conditions:
Gorlin syndrome. Also called: Basal cell nevus syndrome; Nevoid Basal Cell Carcinoma Syndrome. Identifiers: Orphanet 377, MedGen C0004779, MONDO:0007187.
Medulloblastoma (MDB). Also called: MEDULLOBLASTOMA PREDISPOSITION SYNDROME; Medulloblastoma, somatic. Identifiers: Orphanet 616, MedGen C0025149, MeSH D008527, MONDO:0007959, OMIM 155255, HP:0002885.
Hereditary cancer-predisposing syndrome. Also called: Hereditary Cancer Syndrome; Neoplastic Syndromes, Hereditary; Tumor predisposition; Hereditary neoplastic syndrome. Identifiers: Orphanet 140162, MedGen C0027672, MeSH D009386, MONDO:0015356.

Submissions (3):

Labcorp Genetics (formerly Invitae), Labcorp
Classification: Pathogenic for Gorlin syndrome; Medulloblastoma. Last evaluated: 2025-10-23. Review status: criteria provided, single submitter. Criteria: Invitae Variant Classification Sherloc (09022015). Collection method: clinical testing. Allele origin: germline.
Comment: This sequence change creates a premature translational stop signal (p.Glu438Serfs*3) in the SUFU gene. It is expected to result in an absent or disrupted protein product. Loss-of-function variants in SUFU are known to be pathogenic (PMID: 22508808, 25403219, 33024317). This variant is not present in population databases (gnomAD no frequency). This premature translational stop signal has been observed in individual(s) with clinical features of autosomal dominant SUFU-related conditions (PMID: 34308104). ClinVar contains an entry for this variant (Variation ID: 1343073). For these reasons, this variant has been classified as Pathogenic.

Ambry Genetics
Classification: Likely pathogenic for Hereditary cancer-predisposing syndrome. Last evaluated: 2025-07-31. Review status: criteria provided, single submitter. Criteria: Ambry Variant Classification Scheme 2023. Collection method: clinical testing. Allele origin: germline.
Comment: The c.1312delG variant, located in coding exon 11 of the SUFU gene, results from a deletion of one nucleotide at nucleotide position 1312, causing a translational frameshift with a predicted alternate stop codon (p.E438Sfs*3). This alteration occurs at the 3' terminus of theSUFU gene, is not expected to trigger nonsense-mediated mRNA decay, and impacts the last 9.7% of the protein. However, premature stop codons are typically deleterious in nature and a significant portion of the protein is affected (Ambry internal data). This variant was reported in individual(s) with features consistent with SUFU-related disorders (Kim J et al. JNCI Cancer Spectr. 2021 Apr;5:; Ambry internal data; personal communication). This variant is considered to be rare based on population cohorts in the Genome Aggregation Database (gnomAD). Based on the majority of available evidence to date, this variant is likely to be pathogenic.

GeneDx
Classification: Likely pathogenic. Last evaluated: 2022-03-03. Review status: criteria provided, single submitter. Criteria: GeneDx Variant Classification Process June 2021. Collection method: clinical testing. Allele origin: germline. Affected: yes.
Comment: Frameshift variant predicted to result in protein truncation, as the last 47 amino acids are replaced with 2 different amino acids, and other loss-of-function variants have been reported downstream at GeneDx and in the Human Gene Mutation Database (Stenson et al., 2014); Not observed at significant frequency in large population cohorts (gnomAD); Has not been previously published as pathogenic or benign to our knowledge

Literature cited by the submitters: PubMed 22508808 (cited by Labcorp Genetics (formerly Invitae), Labcorp); PubMed 25403219 (cited by Labcorp Genetics (formerly Invitae), Labcorp); PubMed 33024317 (cited by Labcorp Genetics (formerly Invitae), Labcorp); PubMed 34308104 (cited by Labcorp Genetics (formerly Invitae), Labcorp and Ambry Genetics).

NM_016169.4(SUFU):c.1312del (p.Glu438fs)

Gene: SUFU (SUFU negative regulator of hedgehog signaling; plus strand). Cytogenetic location: 10q24.32.
Variant type: Deletion.
Coding change: c.1312del on transcript NM_016169.4 (MANE Select); coding-DNA position 1312, one base deleted (G; older notation c.1312delG).
Protein change: p.Glu438fs; shifts the reading frame from glutamic acid 438.
Molecular consequence: frameshift variant.
Genome position (GRCh38, 1-based): chr10:102,627,190, G deleted. VCF-style (leftmost placement, unchanged base first): chr10-102627189-AG-A. GRCh37 (hg19) VCF-style: chr10-104386946-AG-A.
Other names: c.1312delG (NM_016169.3); short protein forms E438fs.
Identifiers: ClinVar variation 1343073 (VCV001343073.10), dbSNP rs2135954200, ClinGen allele CA2573053229.